The following is an entry in ClinVar:

NM_021625.5(TRPV4):c.910C>T (p.Leu304=)

Gene: TRPV4 (transient receptor potential cation channel subfamily V member 4; minus strand). Cytogenetic location: 12q24.11.
Variant type: single nucleotide variant.
Coding change: c.910C>T on transcript NM_021625.5 (MANE Select); coding-DNA position 910, C replaced by T.
Protein change: p.Leu304=; no amino-acid change (leucine 304 retained).
Molecular consequence: synonymous variant.
Genome position (GRCh38, 1-based): chr12:109,798,856, G>A on the plus strand (C>T on the coding strand, the complement: TRPV4 is on the minus strand). VCF-style: chr12-109798856-G-A. GRCh37 (hg19) VCF-style: chr12-110236661-G-A.
Other names: c.769C>T, p.Leu257= (NM_001177428.2, NM_001177433.2); c.808C>T, p.Leu270= (NM_001177431.2); c.910C>T, p.Leu304= (NM_147204.3).
Identifiers: ClinVar variation 2202449 (VCV002202449.5), dbSNP rs1419012591, ClinGen allele CA481867532.

ClinVar aggregate classification (germline): Conflicting classifications of pathogenicity. Review status: criteria provided, conflicting classifications (1 of 4 stars). 2 submissions from 2 submitters: Uncertain significance (1); Likely benign (1). Last evaluated 2023-06-21.

Conditions:
Charcot-Marie-Tooth disease axonal type 2C (HMSN2C). Also called: CHARCOT-MARIE-TOOTH DISEASE, AXONAL, AUTOSOMAL DOMINANT, TYPE 2C; Charcot-Marie-Tooth Neuropathy Type 2C; Charcot-Marie-Tooth Disease Type 2, TRPV4-Related (CMT2C). Identifiers: Orphanet 99937, MedGen C1853710, MONDO:0011633, OMIM 606071.

Allele frequency attached by ClinVar (database versions not stated): gnomAD 0.00001; gnomAD exomes 0.00001.

Submissions (2):

GeneDx
Classification: Uncertain significance. Last evaluated: 2023-06-21. Review status: criteria provided, single submitter. Criteria: GeneDx Variant Classification Process June 2021. Collection method: clinical testing. Allele origin: germline. Affected: yes.
Comment: In silico analysis supports that this variant does not alter splicing; Has not been previously published as pathogenic or benign to our knowledge; Not observed at significant frequency in large population cohorts (gnomAD)

Labcorp Genetics (formerly Invitae), Labcorp
Classification: Likely benign for Charcot-Marie-Tooth disease axonal type 2C. Last evaluated: 2022-02-10. Review status: criteria provided, single submitter. Criteria: Invitae Variant Classification Sherloc (09022015). Collection method: clinical testing. Allele origin: germline.